The following is an entry in ClinVar:

ClinVar aggregate classification (germline): Uncertain significance (1 of 4 stars; one submission).

Allele frequency attached by ClinVar (database versions not stated): gnomAD exomes below 0.00001; TOPMed below 0.00001.
gnomAD v4.1: 2 of 1,608,206 alleles (0.00012%); highest among the groups gnomAD compares: Middle Eastern, 0.017%; no homozygotes.

Submission:

Labcorp Genetics (formerly Invitae), Labcorp
Classification: Uncertain significance. Last evaluated: 2021-09-10. Review status: criteria provided, single submitter. Criteria: Invitae Variant Classification Sherloc (09022015). Collection method: clinical testing. Allele origin: germline.
Comment: This sequence change replaces serine with glycine at codon 192 of the RASGRP1 protein (p.Ser192Gly). The serine residue is highly conserved and there is a small physicochemical difference between serine and glycine. This variant is not present in population databases (ExAC no frequency). This variant has not been reported in the literature in individuals affected with RASGRP1-related conditions. Algorithms developed to predict the effect of missense changes on protein structure and function (SIFT, PolyPhen-2, Align-GVGD) all suggest that this variant is likely to be tolerated. In summary, the available evidence is currently insufficient to determine the role of this variant in disease. Therefore, it has been classified as a Variant of Uncertain Significance.

NM_005739.4(RASGRP1):c.574A>G (p.Ser192Gly)

Gene: RASGRP1 (RAS guanyl releasing protein 1; minus strand). Cytogenetic location: 15q14.
Variant type: single nucleotide variant.
Coding change: c.574A>G on transcript NM_005739.4 (MANE Select); coding-DNA position 574, A replaced by G.
Protein change: p.Ser192Gly; replaces serine 192 with glycine.
Molecular consequence: missense variant.
Genome position (GRCh38, 1-based): chr15:38,516,298, T>C on the plus strand (A>G on the coding strand, the complement: RASGRP1 is on the minus strand). VCF-style: chr15-38516298-T-C. GRCh37 (hg19) VCF-style: chr15-38808499-T-C.
Other names: c.574A>G, p.Ser192Gly (NM_001128602.2, NM_001306086.2); short protein forms S192G.
Identifiers: ClinVar variation 1380556 (VCV001380556.6), dbSNP rs1891782531, ClinGen allele CA391653694.